The following is an entry in ClinVar:

ClinVar aggregate classification (germline): Likely benign (1 of 4 stars; one submission).

Submission:

CeGaT Center for Human Genetics Tuebingen
Classification: Likely benign. Last evaluated: 2026-02-01. Review status: criteria provided, single submitter. Criteria: CeGaT Center For Human Genetics Tuebingen Variant Classification Criteria Version 2. Collection method: clinical testing. Allele origin: germline. Affected: yes. Observed: 1 variant allele.
Comment: DNA2: PM2:Supporting, BP4, BP7

NM_001080449.3(DNA2):c.888G>T (p.Pro296=)

Gene: DNA2 (DNA replication helicase/nuclease 2; minus strand). Cytogenetic location: 10q21.3.
Variant type: single nucleotide variant.
Coding change: c.888G>T on transcript NM_001080449.3 (MANE Select); coding-DNA position 888, G replaced by T.
Protein change: p.Pro296=; no amino-acid change (proline 296 retained).
Molecular consequence: synonymous variant. On other transcripts: non-coding transcript variant (1).
Genome position (GRCh38, 1-based): chr10:68,450,079, C>A on the plus strand (G>T on the coding strand, the complement: DNA2 is on the minus strand). VCF-style: chr10-68450079-C-A. GRCh37 (hg19) VCF-style: chr10-70209836-C-A.
Identifiers: ClinVar variation 4823339 (VCV004823339.4).